The following is an entry in ClinVar:

NM_022124.6(CDH23):c.190C>T (p.Pro64Ser)

Genes: CDH23 (cadherin related 23; plus strand), CDH23-AS1 (CDH23 antisense RNA 1; minus strand). Cytogenetic location: 10q22.1.
Variant type: single nucleotide variant.
Coding change: c.190C>T on transcript NM_022124.6 (MANE Select); coding-DNA position 190, C replaced by T.
Protein change: p.Pro64Ser; replaces proline 64 with serine.
Molecular consequence: missense variant.
Genome position (GRCh38, 1-based): chr10:71,510,126, C>T. VCF-style: chr10-71510126-C-T. GRCh37 (hg19) VCF-style: chr10-73269883-C-T.
Other names: c.190C>T, p.Pro64Ser (NM_001171931.2, NM_001171932.2, NM_052836.4 and 1 more transcripts); short protein forms P64S.
Identifiers: ClinVar variation 990901 (VCV000990901.8), dbSNP rs1297166820, ClinGen allele CA377114163.

ClinVar aggregate classification (germline): Uncertain significance. Review status: criteria provided, single submitter (1 of 4 stars). 2 submissions from 2 submitters: Uncertain significance (1). 1 of the submissions does not count toward it. Last evaluated 2024-03-04.

Conditions:
Usher syndrome type 1 (USH1). Also called: RETINITIS PIGMENTOSA AND CONGENITAL DEAFNESS. Identifiers: Orphanet 231169, Orphanet 886, MedGen C1568247, MONDO:0010168, OMIM 276900.

Allele frequency attached by ClinVar (database versions not stated): gnomAD exomes below 0.00001; gnomAD 0.00001; TOPMed 0.00001.
gnomAD v4.1: 5 of 1,613,872 alleles (0.00031%); highest among the groups gnomAD compares: African/African-American, 0.0013%; no homozygotes.

Submissions (2):

Labcorp Genetics (formerly Invitae), Labcorp
Classification: Uncertain significance. Last evaluated: 2024-03-04. Review status: criteria provided, single submitter. Criteria: Invitae Variant Classification Sherloc (09022015). Collection method: clinical testing. Allele origin: germline.
Comment: This sequence change replaces proline, which is neutral and non-polar, with serine, which is neutral and polar, at codon 64 of the CDH23 protein (p.Pro64Ser). This variant is present in population databases (no rsID available, gnomAD 0.0009%). This variant has not been reported in the literature in individuals affected with CDH23-related conditions. ClinVar contains an entry for this variant (Variation ID: 990901). Advanced modeling of protein sequence and biophysical properties (such as structural, functional, and spatial information, amino acid conservation, physicochemical variation, residue mobility, and thermodynamic stability) performed at Invitae indicates that this missense variant is not expected to disrupt CDH23 protein function with a negative predictive value of 95%. In summary, the available evidence is currently insufficient to determine the role of this variant in disease. Therefore, it has been classified as a Variant of Uncertain Significance.

Natera, Inc.
Classification: Uncertain significance for Usher syndrome type 1. Last evaluated: 2020-08-13. Review status: no assertion criteria provided. Collection method: clinical testing. Allele origin: germline. Not counted in ClinVar's aggregate classification.